The following is an entry in ClinVar:

NM_001267550.2(TTN):c.96854T>C (p.Val32285Ala)

Genes: TTN (titin; minus strand), TTN-AS1 (TTN antisense RNA 1; plus strand), LOC126806421 (CDK7 strongly-dependent group 2 enhancer GRCh37_chr2:179407630-179408829; plus strand). Cytogenetic location: 2q31.2.
Variant type: single nucleotide variant.
Coding change: c.96854T>C on transcript NM_001267550.2 (MANE Select); coding-DNA position 96854, T replaced by C.
Protein change: p.Val32285Ala; replaces valine 32285 with alanine.
Molecular consequence: missense variant.
Genome position (GRCh38, 1-based): chr2:178,543,119, A>G on the plus strand (T>C on the coding strand, the complement: TTN is on the minus strand). VCF-style: chr2-178543119-A-G. GRCh37 (hg19) VCF-style: chr2-179407846-A-G.
Other names: c.91931T>C, p.Val30644Ala (NM_001256850.1); c.69659T>C, p.Val23220Ala (NM_003319.4); c.89150T>C, p.Val29717Ala (NM_133378.4); c.70034T>C, p.Val23345Ala (NM_133432.3); c.70235T>C, p.Val23412Ala (NM_133437.4); short protein forms V23220A, V23345A, V23412A, V29717A, V30644A, V32285A.
Identifiers: ClinVar variation 2437700 (VCV002437700.4), dbSNP rs878898914, ClinGen allele CA60969691.

ClinVar aggregate classification (germline): Uncertain significance. Review status: criteria provided, multiple submitters, no conflicts (2 of 4 stars). 2 submissions from 2 submitters: Uncertain significance (2). Last evaluated 2026-03-18.

Allele frequency attached by ClinVar (database versions not stated): gnomAD 0.00002; TOPMed 0.00002.

Submissions (2):

GeneDx
Classification: Uncertain significance. Last evaluated: 2026-03-18. Review status: criteria provided, single submitter. Criteria: GeneDx Variant Classification Process June 2021. Collection method: clinical testing. Allele origin: germline.
Comment: Not observed at significant frequency in large population cohorts (gnomAD); Missense variant in a gene in which most reported pathogenic variants are truncating/loss of function; Has not been previously published as pathogenic or benign to our knowledge

Revvity Omics, Revvity
Classification: Uncertain significance. Last evaluated: 2020-10-07. Review status: criteria provided, single submitter. Criteria: ACMG Guidelines, 2015. Collection method: clinical testing. Allele origin: germline.